The following is an entry in ClinVar:

NM_001876.4(CPT1A):c.879+1G>T

Gene: CPT1A (carnitine palmitoyltransferase 1A; minus strand). Cytogenetic location: 11q13.3.
Variant type: single nucleotide variant.
Coding change: c.879+1G>T on transcript NM_001876.4 (MANE Select); the canonical splice donor site of the intron after coding-DNA position 879, G replaced by T.
Molecular consequence: splice donor variant. On other transcripts: intron variant (2).
Genome position (GRCh38, 1-based): chr11:68,794,803, C>A on the plus strand (G>T on the coding strand, the complement: CPT1A is on the minus strand). VCF-style: chr11-68794803-C-A. GRCh37 (hg19) VCF-style: chr11-68562271-C-A.
Other names: c.879+1G>T (NM_001031847.3, NM_001440360.1, NM_001440358.1 and 4 more transcripts); c.772-1401G>T (NM_001440363.1); c.694-1401G>T (NM_001440365.1).
Identifiers: ClinVar variation 5004899 (VCV005004899.1).

ClinVar aggregate classification (germline): Uncertain significance (1 of 4 stars; one submission).

Conditions:
Carnitine palmitoyl transferase 1A deficiency. Also called: Carnitine palmitoyltransferase type I deficiency; CPT deficiency, hepatic, type IA; Carnitine palmitoyltransferase 1A deficiency; CPT I DEFICIENCY; CPT DEFICIENCY, HEPATIC, TYPE I. Identifiers: Orphanet 156, MedGen C1829703, MONDO:0009705, OMIM 255120.

Submission:

Myriad Genetics, Inc.
Classification: Uncertain significance for Carnitine palmitoyl transferase 1A deficiency. Last evaluated: 2025-10-16. Review status: criteria provided, single submitter. Criteria: Myriad Autosomal Dominant, Autosomal Recessive and X-Linked Classification Criteria (2023). Collection method: clinical testing. Allele origin: unknown.
Comment: NM_001876.3(CPT1A):c.879+1G>T is a variant in a canonical splice site classified as a variant of uncertain significance in the context of carnitine palmitoyltransferase IA deficiency. c.879+1G>T has not been observed in cases with relevant disease. Relevant functional assessments of this variant are not available in the literature. c.879+1G>T has not been observed in referenced population frequency databases. In summary, there is insufficient evidence to classify NM_001876.3(CPT1A):c.879+1G>T as pathogenic or benign. Please note: this variant was assessed in the context of healthy population screening.